The following is an entry in ClinVar:

NM_138694.4(PKHD1):c.7298A>T (p.Asp2433Val)

Gene: PKHD1 (PKHD1 ciliary IPT domain containing fibrocystin/polyductin; minus strand). Cytogenetic location: 6p12.2.
Variant type: single nucleotide variant.
Coding change: c.7298A>T on transcript NM_138694.4 (MANE Select); coding-DNA position 7298, A replaced by T.
Protein change: p.Asp2433Val; replaces aspartic acid 2433 with valine.
Molecular consequence: missense variant.
Genome position (GRCh38, 1-based): chr6:51,883,145, T>A on the plus strand (A>T on the coding strand, the complement: PKHD1 is on the minus strand). VCF-style: chr6-51883145-T-A. GRCh37 (hg19) VCF-style: chr6-51747943-T-A.
Other names: c.7298A>T, p.Asp2433Val (NM_170724.3); short protein forms D2433V.
Identifiers: ClinVar variation 167483 (VCV000167483.30), dbSNP rs76895755, ClinGen allele CA180306.

ClinVar aggregate classification (germline): Benign. Review status: criteria provided, multiple submitters, no conflicts (2 of 4 stars). 8 submissions from 8 submitters: Benign (7). 1 of the submissions does not count toward it. Last evaluated 2026-02-04.

Conditions:
Polycystic kidney disease 4 (PKD4). Also called: PKD3; POLYCYSTIC KIDNEY DISEASE 4 WITH OR WITHOUT POLYCYSTIC LIVER DISEASE; Autosomal Recessive Polycystic Kidney Disease – PKHD1; POLYCYSTIC KIDNEY AND HEPATIC DISEASE 1; POLYCYSTIC KIDNEY DISEASE, INFANTILE, TYPE I. Identifiers: MedGen C4540575, MONDO:0033004, OMIM 263200.
Autosomal recessive polycystic kidney disease (ARPKD). Also called: AR polycystic kidney disease. Identifiers: Orphanet 731, Orphanet 8378, MedGen C0085548, MeSH D017044, MONDO:0009889.

Allele frequency attached by ClinVar (database versions not stated): gnomAD exomes 0.00100 and 0.00275; 1000 Genomes Project 30x 0.01109; gnomAD 0.01013 and 0.01078; ESP Exome Variant Server 0.01169; TOPMed 0.01198; ExAC 0.00352; 1000 Genomes Project 0.00978.
gnomAD v4.1: 3,107 of 1,612,624 alleles (0.19%); highest among the groups gnomAD compares: African/African-American, 3.5%; 57 homozygotes.

Submissions (8):

Labcorp Genetics (formerly Invitae), Labcorp
Classification: Benign for Autosomal recessive polycystic kidney disease. Last evaluated: 2026-02-04. Review status: criteria provided, single submitter. Criteria: Invitae Variant Classification Sherloc (09022015). Collection method: clinical testing. Allele origin: germline.

Department of Pathology and Laboratory Medicine, Sinai Health System
Classification: Benign for Polycystic kidney disease 4. Last evaluated: 2022-08-22. Review status: criteria provided, single submitter. Criteria: ACMG Guidelines, 2015. Collection method: clinical testing. Allele origin: germline. Affected: yes.

GeneDx
Classification: Benign. Last evaluated: 2020-03-27. Review status: criteria provided, single submitter. Criteria: GeneDx Variant Classification Process June 2021. Collection method: clinical testing. Allele origin: germline. Affected: yes.

Women's Health and Genetics/Laboratory Corporation of America, LabCorp
Classification: Benign. Last evaluated: 2019-07-18. Review status: criteria provided, single submitter. Criteria: LabCorp Variant Classification Summary - May 2015. Collection method: clinical testing. Allele origin: germline.
Comment: Variant summary: PKHD1 c.7298A>T (p.Asp2433Val) results in a non-conservative amino acid change located in the Pectin lyase fold (IPR012334) of the encoded protein sequence. Three of five in-silico tools predict a benign effect of the variant on protein function. The variant allele was found at a frequency of 0.0035 in 282570 control chromosomes, predominantly at a frequency of 0.035 within the African or African-American subpopulation in the gnomAD database, including 20 homozygotes. The observed variant frequency within African or African-American control individuals in the gnomAD database is approximately 5 fold of the estimated maximal expected allele frequency for a pathogenic variant in PKHD1 causing Polycystic Kidney and Hepatic Disease phenotype (0.0071), strongly suggesting that the variant is a benign polymorphism found primarily in populations of African or African-American origin. To our knowledge, no occurrence of c.7298A>T in individuals affected with Polycystic Kidney and Hepatic Disease and no experimental evidence demonstrating its impact on protein function have been reported. One ClinVar submission (evaluation after 2014) classified the variant as benign. Based on the evidence outlined above, the variant was classified as benign.

Mayo Clinic Laboratories, Mayo Clinic
Classification: Benign. Last evaluated: 2018-08-31. Review status: criteria provided, single submitter. Criteria: ACMG Guidelines, 2015. Collection method: clinical testing. Allele origin: germline. Observed: 8 variant alleles.

Eurofins Ntd Llc (ga)
Classification: Benign. Last evaluated: 2013-11-25. Review status: criteria provided, single submitter. Criteria: EGL Classification Definitions 2015. Collection method: clinical testing. Allele origin: germline. Observed: 2 variant alleles, 2 heterozygotes.

PreventionGenetics, part of Exact Sciences
Classification: Benign. Review status: criteria provided, single submitter. Criteria: ACMG Guidelines, 2015. Collection method: clinical testing. Allele origin: germline.

Natera, Inc.
Classification: Benign for Autosomal recessive polycystic kidney disease. Last evaluated: 2017-05-11. Review status: no assertion criteria provided. Collection method: clinical testing. Allele origin: germline. Not counted in ClinVar's aggregate classification.